The following is an entry in ClinVar:

ClinVar aggregate classification (germline): Pathogenic. Review status: reviewed by expert panel (3 of 4 stars). 2 submissions from 2 submitters: Pathogenic (1). 1 of the submissions does not count toward it. Last evaluated 2016-10-18.

Conditions:
Breast-ovarian cancer, familial, susceptibility to, 1 (BROVCA1). Also called: BRCA1 Hereditary Breast and Ovarian Cancer; OVARIAN CANCER, SUSCEPTIBILITY TO. Identifiers: Orphanet 145, MedGen C2676676, MONDO:0011450, OMIM 604370. Disease mechanism: loss of function.

Submissions (2):

Evidence-based Network for the Interpretation of Germline Mutant Alleles (ENIGMA)
Classification: Pathogenic for Breast-ovarian cancer, familial, susceptibility to, 1. Last evaluated: 2016-10-18. Review status: reviewed by expert panel. Criteria: ENIGMA BRCA1/2 Classification Criteria (2015). Collection method: curation. Allele origin: germline.
Comment: Variant allele predicted to encode a truncated non-functional protein.

Consortium of Investigators of Modifiers of BRCA1/2 (CIMBA), c/o University of Cambridge
Classification: Pathogenic for Breast-ovarian cancer, familial, susceptibility to, 1. Last evaluated: 2015-10-02. Review status: criteria provided, single submitter. Criteria: CIMBA Mutation Classification guidelines May 2016. Collection method: clinical testing. Allele origin: germline. Not counted in ClinVar's aggregate classification.

NM_007294.4(BRCA1):c.3478_3479del (p.Lys1160fs)

Genes: BRCA1 (BRCA1 DNA repair associated; minus strand), LOC126862571 (BRD4-independent group 4 enhancer GRCh37_chr17:41243136-41244335; plus strand). Cytogenetic location: 17q21.31.
Variant type: Deletion.
Coding change: c.3478_3479del on transcript NM_007294.4 (MANE Select); coding-DNA positions 3478 to 3479, 2 bases deleted (AA; older notation c.3478_3479delAA).
Protein change: p.Lys1160fs; shifts the reading frame from lysine 1160.
Molecular consequence: frameshift variant. On other transcripts: intron variant (135).
Genome position (GRCh38, 1-based): chr17:43,092,052-43,092,053, TT deleted on the plus strand (AA on the coding strand, the reverse complement: BRCA1 is on the minus strand); deleting any 2 consecutive bases within chr17:43,092,052-43,092,054 gives the same sequence; the c. name uses the placement nearest the transcript's 3' end. VCF-style (leftmost placement, unchanged base first): chr17-43092051-CTT-C. GRCh37 (hg19) VCF-style: chr17-41244068-CTT-C.
Other names: 3597delAA; c.665-1021_665-1020del (NM_001408427.1, NM_001408443.1, NM_001408439.1 and 12 more transcripts); c.524-1021_524-1020del (NM_001408496.1, NM_001408499.1, NM_001408498.1 and 3 more transcripts); c.647-1021_647-1020del (NM_001408460.1, NM_001408454.1, NM_001408456.1 and 11 more transcripts); c.707-1021_707-1020del (NM_001408413.1, NM_001408416.1); c.587-1021_587-1020del (NM_001408476.1, NM_001408474.1); c.710-1021_710-1020del (NM_001408409.1, NM_001408414.1, NM_001408411.1 and 2 more transcripts); c.575-1021_575-1020del (NM_001408493.1, NM_001408490.1, NM_001408491.1); and 43 more; short protein forms K1113fs, K1160fs, K1048fs, K1072fs, K1118fs, K292fs, K1032fs, K1033fs.
Identifiers: ClinVar variation 266372 (VCV000266372.10), dbSNP rs273899707, ClinGen allele CA10589751.